The following is an entry in ClinVar:

NM_001953.5(TYMP):c.865G>A (p.Glu289Lys)

Gene: TYMP (thymidine phosphorylase; minus strand). Cytogenetic location: 22q13.33.
Variant type: single nucleotide variant.
Coding change: c.865G>A on transcript NM_001953.5 (MANE Select); coding-DNA position 865, G replaced by A.
Protein change: p.Glu289Lys; replaces glutamic acid 289 with lysine.
Molecular consequence: missense variant.
Genome position (GRCh38, 1-based): chr22:50,526,639, C>T on the plus strand (G>A on the coding strand, the complement: TYMP is on the minus strand). VCF-style: chr22-50526639-C-T. GRCh37 (hg19) VCF-style: chr22-50965068-C-T.
Other names: Glu>Lys; c.865G>A, p.Glu289Lys (LRG_727t1, LRG_727t2, NM_001113755.3 and 3 more transcripts); short protein forms E289K.
Identifiers: ClinVar variation 223044 (VCV000223044.6), dbSNP rs946234163, ClinGen allele CA16616789.

ClinVar aggregate classification (germline): Conflicting classifications of pathogenicity. Review status: criteria provided, conflicting classifications (1 of 4 stars). 4 submissions from 4 submitters: Likely pathogenic (1); Uncertain significance (2). 1 of the submissions does not count toward it. Last evaluated 2025-05-22.

Conditions:
Mitochondrial DNA depletion syndrome 1. Also called: Mitochondrial neurogastrointestinal encephalomyopathy syndrome; Mitochondrial DNA Depletion Syndrome, MNGIE Form; Mitochondrial DNA depletion syndrome 1 (MNGIE type); Mitochondrial Neurogastrointestinal Encephalopathy Disease; MITOCHONDRIAL NEUROGASTROINTESTINAL ENCEPHALOPATHY SYNDROME, TYMP-RELATED; MNGIE, TYMP-RELATED. Identifiers: Orphanet 298, MedGen C4551995, MONDO:0011283, OMIM 603041.

Allele frequency attached by ClinVar (database versions not stated): gnomAD exomes below 0.00001; TOPMed below 0.00001; gnomAD 0.00001.
gnomAD v4.1: 4 of 1,569,858 alleles (0.00025%); highest among the groups gnomAD compares: South Asian, 0.0012%; no homozygotes.

Submissions (4):

Women's Health and Genetics/Laboratory Corporation of America, LabCorp
Classification: Uncertain significance. Last evaluated: 2025-05-22. Review status: criteria provided, single submitter. Criteria: LabCorp Variant Classification Summary - May 2015. Collection method: clinical testing. Allele origin: germline.
Comment: Variant summary: TYMP c.865G>A (p.Glu289Lys) results in a conservative amino acid change in the encoded protein sequence. Algorithms developed to predict the effect of missense changes on protein structure and function are either unavailable or do not agree on the potential impact of this missense change. The frequency data for this variant in gnomAD is considered unreliable, as metrics indicate poor data quality at this position. c.865G>A has been observed in compound heterozygous state in an individual affected with Mitochondrial DNA Depletion Syndrome 1 (MNGIE type) (Nishino_2000). These data do not allow any conclusion about variant significance. A different amino acid change in the same codon, c.866A>C (p.Glu289Ala) has been observed in homozygous or compound heterozygous state in multiple individuals with Mitochondrial DNA Depletion Syndrome 1 (MNGIE type) (Nishino_2000) and thus has been classified as pathogenic. To our knowledge, no experimental evidence demonstrating an impact on protein function has been reported. The following publication have been ascertained in the context of this evaluation (PMID: 10852545). ClinVar contains an entry for this variant (Variation ID: 223044). Based on the evidence outlined above, the variant was classified as VUS-possibly pathogenic.

3billion
Classification: Likely pathogenic for Mitochondrial DNA depletion syndrome 1. Last evaluated: 2023-06-26. Review status: criteria provided, single submitter. Criteria: ACMG Guidelines, 2015. Collection method: clinical testing. Allele origin: germline. Affected: yes.
Comment: The variant is observed at an extremely low frequency in the gnomAD v2.1.1 dataset (total allele frequency: <0.001%). Predicted Consequence/Location: Missense variant In silico tool predictions suggest damaging effect of the variant on gene or gene product (REVEL: 0.97; 3Cnet: 0.20). Same nucleotide change resulting in same amino acid change has been previously reported to be associated with TYMP related disorder (ClinVar ID: VCV000223044 /PMID: 10852545). A different missense change at the same codon (p.Glu289Ala) has been reported as pathogenic/likely pathogenic with strong evidence (ClinVar ID: VCV000016653 /PMID: 9924029). Therefore, this variant is classified as Likely pathogenic according to the recommendation of ACMG/AMP guideline.

Labcorp Genetics (formerly Invitae), Labcorp
Classification: Uncertain significance. Last evaluated: 2022-11-18. Review status: criteria provided, single submitter. Criteria: Invitae Variant Classification Sherloc (09022015). Collection method: clinical testing. Allele origin: germline.
Comment: This variant disrupts the p.Glu289 amino acid residue in TYMP. Other variant(s) that disrupt this residue have been determined to be pathogenic (PMID: 9924029, 10852545, 15781193, 20151198, 23341816). This suggests that this residue is clinically significant, and that variants that disrupt this residue are likely to be disease-causing. Advanced modeling of protein sequence and biophysical properties (such as structural, functional, and spatial information, amino acid conservation, physicochemical variation, residue mobility, and thermodynamic stability) performed at Invitae indicates that this missense variant is expected to disrupt TYMP protein function. ClinVar contains an entry for this variant (Variation ID: 223044). This missense change has been observed in individual(s) with TYMP-related conditions (PMID: 10852545). The frequency data for this variant in the population databases is considered unreliable, as metrics indicate poor data quality at this position in the gnomAD database. This sequence change replaces glutamic acid, which is acidic and polar, with lysine, which is basic and polar, at codon 289 of the TYMP protein (p.Glu289Lys). In summary, the available evidence is currently insufficient to determine the role of this variant in disease. Therefore, it has been classified as a Variant of Uncertain Significance.

GeneReviews
Classification: Pathogenic for Mitochondrial DNA depletion syndrome 1. Last evaluated: 2016-01-14. Review status: no assertion criteria provided. Collection method: literature only. Allele origin: germline. Affected: yes. Not counted in ClinVar's aggregate classification.

Literature cited by the submitters: PubMed 10852545 (cited by 4 submitters); PubMed 9924029 (cited by 3billion and Labcorp Genetics (formerly Invitae), Labcorp); PubMed 15781193 (cited by Labcorp Genetics (formerly Invitae), Labcorp); PubMed 20151198 (cited by Labcorp Genetics (formerly Invitae), Labcorp); PubMed 23341816 (cited by Labcorp Genetics (formerly Invitae), Labcorp).